The following is an entry in ClinVar:

NM_005996.4(TBX3):c.2131T>C (p.Leu711=)

Gene: TBX3 (T-box transcription factor 3; minus strand). Cytogenetic location: 12q24.21.
Variant type: single nucleotide variant.
Coding change: c.2131T>C on transcript NM_005996.4 (MANE Select); coding-DNA position 2131, T replaced by C.
Protein change: p.Leu711=; no amino-acid change (leucine 711 retained).
Molecular consequence: synonymous variant.
Genome position (GRCh38, 1-based): chr12:114,671,882, A>G on the plus strand (T>C on the coding strand, the complement: TBX3 is on the minus strand). VCF-style: chr12-114671882-A-G. GRCh37 (hg19) VCF-style: chr12-115109687-A-G.
Other names: c.2191T>C, p.Leu731= (NM_016569.4).
Identifiers: ClinVar variation 5002013 (VCV005002013.1).
Genomic context (GRCh38, chr12:114,671,882, plus strand): 5'-AGACGTGTCTGGGACGGGTCTACGGGGACGCGCTGCGGGACCTGTCCGGCTTGGCTTCCA[A>G]GCCGCTAACCAACCGCTGGATGCTCTGCAGTTCGCTGGTGGCCGCCTCTTTCTCCGCGCA-3'
Protein context (NP_005987.3, residues 701-721): LQSIQRLVSG[Leu711=]EAKPDRSRSA

ClinVar aggregate classification (germline): Likely benign (1 of 4 stars; one submission).

Conditions:
TBX3-related disorder. Also called: TBX3-related condition.

Submission:

PreventionGenetics, part of Exact Sciences
Classification: Likely benign for TBX3-related condition. Last evaluated: 2026-05-02. Review status: criteria provided, single submitter. Criteria: ACMG Guidelines, 2015. Collection method: clinical testing. Allele origin: germline.
Comment: This variant is classified as likely benign based on ACMG/AMP sequence variant interpretation guidelines (Richards et al. 2015 PMID: 25741868, with internal and published modifications).